The following is an entry in ClinVar:

ClinVar aggregate classification (germline): Pathogenic/Likely pathogenic. Review status: criteria provided, multiple submitters, no conflicts (2 of 4 stars). 3 submissions from 3 submitters: Pathogenic (1); Likely pathogenic (1). 1 of the submissions does not count toward it. Last evaluated 2024-11-07.

Conditions:
Zellweger spectrum disorders (ZS). Also called: Zellweger Spectrum Disorder; Zellweger Spectrum; Zellweger Spectrum Disorder (ZSD); Zellweger syndrome. Identifiers: Orphanet 912, MedGen C0043459, MONDO:0019609.
Peroxisome biogenesis disorder 1A (Zellweger) (PBD1A). Also called: Zellweger leukodystrophy; Peroxisome biogenesis disorder 1a. Identifiers: MedGen C4721541, MONDO:0008953, OMIM 214100.
PEX1-related disorder. Also called: PEX1-related condition.

Submissions (3):

Natera, Inc.
Classification: Pathogenic for Zellweger syndrome. Last evaluated: 2024-11-07. Review status: criteria provided, single submitter. Criteria: Natera Variant Classification Schema (03/2026). Collection method: clinical testing. Allele origin: germline.
Comment: The c.473-1G>A variant in PEX1 is a canonical splice acceptor site variant predicted to affect pre-mRNA splicing, which may result in an abnormal transcript and altered protein product. This variant is expected to result in nonsense mediated decay, truncation, or a dysfunctional protein product. This variant is rare in the general population with a frequency below the threshold expected for the associated phenotype(s). This variant has been observed in one or more individuals affected with the associated recessive disease, as either homozygous or compound heterozygous with a second variant (PMID: 19105186). Given the available evidence, this variant is classified as Pathogenic.

Blueprint Genetics
Classification: Likely pathogenic for PEX1-related disorders. Last evaluated: 2021-07-08. Review status: criteria provided, single submitter. Criteria: ACMG Guidelines, 2015. Collection method: clinical testing. Allele origin: germline. Affected: yes. Observed: 1 variant allele.

Counsyl
Classification: Likely pathogenic for Peroxisome biogenesis disorder 1A (Zellweger). Last evaluated: 2018-03-16. Review status: no assertion criteria provided. Collection method: clinical testing. Allele origin: unknown. Not counted in ClinVar's aggregate classification.

Literature cited by the submitters: PubMed 19105186 (cited by Natera, Inc. and Counsyl); PubMed 25525159 (cited by Counsyl).

NM_000466.3(PEX1):c.473-1G>A

Gene: PEX1 (peroxisomal biogenesis factor 1; minus strand). Cytogenetic location: 7q21.2.
Variant type: single nucleotide variant.
Coding change: c.473-1G>A on transcript NM_000466.3 (MANE Select); the canonical splice acceptor site of the intron before coding-DNA position 473, G replaced by A.
Molecular consequence: splice acceptor variant.
Genome position (GRCh38, 1-based): chr7:92,518,043, C>T on the plus strand (G>A on the coding strand, the complement: PEX1 is on the minus strand). VCF-style: chr7-92518043-C-T. GRCh37 (hg19) VCF-style: chr7-92147357-C-T.
Other names: c.473-1G>A (NM_001282677.2); c.-152-1G>A (NM_001282678.2).
Identifiers: ClinVar variation 557330 (VCV000557330.4), dbSNP rs1554375661, ClinGen allele CA368201892.